The following is an entry in ClinVar:

ClinVar aggregate classification (germline): Benign/Likely benign. Review status: criteria provided, multiple submitters, no conflicts (2 of 4 stars). 4 submissions from 3 submitters: Benign (3); Likely benign (1). Last evaluated 2018-01-12.

Conditions:
Atrial fibrillation, familial, 4 (ATFB4). Identifiers: MedGen C1862394, MONDO:0012677, OMIM 611493.
Long QT syndrome 6 (LQT6). Identifiers: Orphanet 101016, Orphanet 768, MedGen C3150953, MONDO:0013370, OMIM 613693.

Allele frequency attached by ClinVar (database versions not stated): gnomAD 0.07826 and 0.07525; TOPMed 0.07857; gnomAD exomes 0.04000; 1000 Genomes Project 30x 0.10493; 1000 Genomes Project 0.10663.
gnomAD v4.1: 11,932 of 152,298 alleles (7.8%); highest among the groups gnomAD compares: East Asian, 18%; 568 homozygotes.

Submissions (4):

Illumina Laboratory Services, Illumina
Classification: Benign for Long QT syndrome 6. Last evaluated: 2018-01-12. Review status: criteria provided, single submitter. Criteria: ICSL Variant Classification Criteria 13 December 2019. Collection method: clinical testing. Allele origin: germline.
Comment: This variant was observed in the ICSL laboratory as part of a predisposition screen in an ostensibly healthy population. It had not been previously curated by ICSL or reported in the Human Gene Mutation Database (HGMD: prior to June 1st, 2018), and was therefore a candidate for classification through an automated scoring system. Utilizing variant allele frequency, disease prevalence and penetrance estimates, and inheritance mode, an automated score was calculated to assess if this variant is too frequent to cause the disease. Based on the score and internal cut-off values, a variant classified as benign is not then subjected to further curation. The score for this variant resulted in a classification of benign for this disease.

Illumina Laboratory Services, Illumina
Classification: Benign for Atrial fibrillation, familial, 4. Last evaluated: 2018-01-12. Review status: criteria provided, single submitter. Criteria: ICSL Variant Classification Criteria 13 December 2019. Collection method: clinical testing. Allele origin: germline.
Comment: the same text as in the submission from Illumina Laboratory Services, Illumina above.

GeneDx
Classification: Benign. Last evaluated: 2015-03-03. Review status: criteria provided, single submitter. Criteria: GeneDx Variant Classification Process June 2021. Collection method: clinical testing. Allele origin: germline. Affected: yes.

Breakthrough Genomics
Classification: Likely benign. Review status: criteria provided, single submitter. Criteria: ACMG Guidelines, 2015. Collection method: not provided. Allele origin: germline. Inheritance: Autosomal dominant inheritance. Affected: yes.

NM_172201.2(KCNE2):c.-79G>A

Genes: KCNE2 (potassium voltage-gated channel subfamily E regulatory subunit 2; plus strand), LOC105372791 (uncharacterized LOC105372791; minus strand). Cytogenetic location: 21q22.11.
Variant type: single nucleotide variant.
Coding change: c.-79G>A on transcript NM_172201.2 (MANE Select); 79 bases upstream of the start codon, G replaced by A.
Molecular consequence: 5 prime UTR variant.
Genome position (GRCh38, 1-based): chr21:34,364,085, G>A. VCF-style: chr21-34364085-G-A. GRCh37 (hg19) VCF-style: chr21-35736384-G-A.
Identifiers: ClinVar variation 339716 (VCV000339716.7), dbSNP rs41260744, ClinGen allele CA10650375.